The following is an entry in ClinVar:

NM_001042681.2(RERE):c.2454_2465del (p.Ser821_Pro824del)

Gene: RERE (arginine-glutamic acid dipeptide repeats; minus strand). Cytogenetic location: 1p36.23.
Variant type: Deletion.
Coding change: c.2454_2465del on transcript NM_001042681.2 (MANE Select); coding-DNA positions 2454 to 2465, 12 bases deleted (GCATCCCTCGCC).
Protein change: p.Ser821_Pro824del.
Molecular consequence: inframe deletion.
Genome position (GRCh38, 1-based): chr1:8,361,042-8,361,053, GGCGAGGGATGC deleted on the plus strand (GCATCCCTCGCC on the coding strand, the reverse complement: RERE is on the minus strand); deleting any 12 consecutive bases within chr1:8,361,042-8,361,057 gives the same sequence; the c. name uses the placement nearest the transcript's 3' end. VCF-style (leftmost placement, unchanged base first): chr1-8361041-TGGCGAGGGATGC-T. GRCh37 (hg19) VCF-style: chr1-8421101-TGGCGAGGGATGC-T.
Other names: c.792_803del, p.Ser267_Pro270del (NM_001042682.2); c.2454_2465del, p.Ser821_Pro824del (NM_012102.4).
Identifiers: ClinVar variation 5002227 (VCV005002227.1).
Genomic context (GRCh38, chr1:8,361,041, plus strand): 5'-GGCATGAGAGGGTGCAGAAGGCTGGCCCGCCGACCCAGTCAGAGGCTGCAGCGGGGGATG[TGGCGAGGGATGC>T]GGCGGGGGATGCGGTGAGGGCGGCCGCTGGGGGTGCAAGGCCGGTGCCTGTTGGATGTGG-3'

ClinVar aggregate classification (germline): Uncertain significance (1 of 4 stars; one submission).

Conditions:
RERE-related disorder. Also called: RERE-related condition; RERE-Related Disorders. Identifiers: MedGen CN381537.

Submission:

PreventionGenetics, part of Exact Sciences
Classification: Uncertain significance for RERE-related condition. Last evaluated: 2026-05-29. Review status: criteria provided, single submitter. Criteria: ACMG Guidelines, 2015. Collection method: clinical testing. Allele origin: germline.
Comment: The RERE c.2454_2465del12 variant is predicted to result in an in-frame deletion (p.Ser821_Pro824del). To our knowledge, this variant has not been reported in the literature. This variant is reported in 0.0047% of alleles in individuals of European (non-Finnish) descent in gnomAD. A similar deletion resulting in the same predicted effect (referred to as c.2461_2472del; p.Pro821_Ser824del), has been reported in a fetus with conotruncal defects (Shi et al. 2022. PubMed ID: 35420166). At this time, the clinical significance of this variant is uncertain due to the absence of conclusive functional and genetic evidence.